The following is an entry in ClinVar:

ClinVar aggregate classification (germline): Uncertain significance (1 of 4 stars; one submission).

Submission:

Labcorp Genetics (formerly Invitae), Labcorp
Classification: Uncertain significance. Last evaluated: 2021-03-29. Review status: criteria provided, single submitter. Criteria: Invitae Variant Classification Sherloc (09022015). Collection method: clinical testing. Allele origin: germline.
Comment: In summary, the available evidence is currently insufficient to determine the role of this variant in disease. Therefore, it has been classified as a Variant of Uncertain Significance. Algorithms developed to predict the effect of missense changes on protein structure and function output the following: SIFT: "Tolerated"; PolyPhen-2: "Benign"; Align-GVGD: "Class C0". The cysteine amino acid residue is found in multiple mammalian species, suggesting that this missense change does not adversely affect protein function. These predictions have not been confirmed by published functional studies and their clinical significance is uncertain. This variant has not been reported in the literature in individuals with SAMD9-related conditions. This variant is not present in population databases (ExAC no frequency). This sequence change replaces tyrosine with cysteine at codon 1182 of the SAMD9 protein (p.Tyr1182Cys). The tyrosine residue is weakly conserved and there is a large physicochemical difference between tyrosine and cysteine.

NM_017654.4(SAMD9):c.3545A>G (p.Tyr1182Cys)

Gene: SAMD9 (sterile alpha motif domain containing 9; minus strand). Cytogenetic location: 7q21.2.
Variant type: single nucleotide variant.
Coding change: c.3545A>G on transcript NM_017654.4 (MANE Select); coding-DNA position 3545, A replaced by G.
Protein change: p.Tyr1182Cys; replaces tyrosine 1182 with cysteine.
Molecular consequence: missense variant.
Genome position (GRCh38, 1-based): chr7:93,102,553, T>C on the plus strand (A>G on the coding strand, the complement: SAMD9 is on the minus strand). VCF-style: chr7-93102553-T-C. GRCh37 (hg19) VCF-style: chr7-92731866-T-C.
Other names: c.3545A>G, p.Tyr1182Cys (NM_001193307.2); short protein forms Y1182C.
Identifiers: ClinVar variation 1355409 (VCV001355409.8), dbSNP rs2116414663, ClinGen allele CA368184411.